The following is an entry in ClinVar:

NM_007375.4(TARDBP):c.1121dup (p.Tyr374Ter)

Gene: TARDBP (TAR DNA binding protein; plus strand). Cytogenetic location: 1p36.22.
Variant type: Duplication.
Coding change: c.1121dup on transcript NM_007375.4 (MANE Select); coding-DNA position 1121, one base duplicated (A; older notation c.1121dupA).
Protein change: p.Tyr374Ter; replaces tyrosine 374 with a stop codon.
Molecular consequence: nonsense.
Genome position (GRCh38, 1-based): chr1:11,022,530, A duplicated. VCF-style (leftmost placement, unchanged base first): chr1-11022529-T-TA. GRCh37 (hg19) VCF-style: chr1-11082586-T-TA.
Other names: c.1121dupA (NM_007375.3); short protein forms Y374*.
Identifiers: ClinVar variation 21471 (VCV000021471.4), dbSNP rs80356737, ClinGen allele CA17876425.
Genomic context (GRCh38, chr1:11,022,529, plus strand): 5'-CAAAACCAAGGCAACATGCAGAGGGAGCCAAACCAGGCCTTCGGTTCTGGAAATAACTCT[T>TA]ATAGTGGCTCTAATTCTGGTGCAGCAATTGGTTGGGGATCAGCATCCAATGCAGGGTCGG-3'

ClinVar aggregate classification (germline): Uncertain significance. Review status: criteria provided, single submitter (1 of 4 stars). 2 submissions from 2 submitters: Uncertain significance (1). 1 of the submissions does not count toward it. Last evaluated 2023-08-22.

Conditions:
TARDBP-related disorder. Also called: TARDBP-related condition.
Amyotrophic lateral sclerosis type 10 (ALS10). Also called: TARDBP-Related Amyotrophic Lateral Sclerosis-Frontotemporal Dementia; AMYOTROPHIC LATERAL SCLEROSIS 10 WITHOUT FRONTOTEMPORAL DEMENTIA AND WITH TDP43 INCLUSIONS; AMYOTROPHIC LATERAL SCLEROSIS 10 WITH OR WITHOUT FRONTOTEMPORAL DEMENTIA AND WITH TDP43 INCLUSIONS; Amyotrophic lateral sclerosis 10, with or without FTD; AMYOTROPHIC LATERAL SCLEROSIS 10 WITH OR WITHOUT FRONTOTEMPORAL DEMENTIA. Identifiers: Orphanet 275872, Orphanet 803, MedGen C2677565, MONDO:0012790, OMIM 612069.

Submissions (2):

PreventionGenetics, part of Exact Sciences
Classification: Uncertain significance for TARDBP-related condition. Last evaluated: 2023-08-22. Review status: criteria provided, single submitter. Criteria: ACMG Guidelines, 2015. Collection method: clinical testing. Allele origin: germline.
Comment: The TARDBP c.1121dupA variant is predicted to result in premature protein termination (p.Tyr374*). This variant has not been reported in a large population database, indicating this variant is rare. While this variant was reported in an individual with amyotrophic lateral sclerosis (Daoud et al 2009. PubMed ID: 18931000); it is located in the last exon. At this time, the clinical significance of this variant is uncertain due to the absence of conclusive functional and genetic evidence.

GeneReviews
No classification provided. Condition: Amyotrophic lateral sclerosis type 10. Review status: no classification provided. Collection method: literature only. Allele origin: germline. Affected: yes. Not counted in ClinVar's aggregate classification.

Literature cited by the submitters: NCBI Bookshelf NBK5942 (cited by GeneReviews).